The following is an entry in ClinVar:

NM_001394372.1(BICRA):c.3989T>C (p.Val1330Ala)

Gene: BICRA (BRD4 interacting chromatin remodeling complex associated protein; plus strand). Cytogenetic location: 19q13.33.
Variant type: single nucleotide variant.
Coding change: c.3989T>C on transcript NM_001394372.1 (MANE Select); coding-DNA position 3989, T replaced by C.
Protein change: p.Val1330Ala; replaces valine 1330 with alanine.
Molecular consequence: missense variant.
Genome position (GRCh38, 1-based): chr19:47,701,721, T>C. VCF-style: chr19-47701721-T-C. GRCh37 (hg19) VCF-style: chr19-48204978-T-C.
Other names: c.3989T>C, p.Val1330Ala (NM_015711.3); short protein forms V1330A.
Identifiers: ClinVar variation 3603097 (VCV003603097.1).

ClinVar aggregate classification (germline): Uncertain significance (1 of 4 stars; one submission).

Submission:

GeneDx
Classification: Uncertain significance. Last evaluated: 2024-08-05. Review status: criteria provided, single submitter. Criteria: GeneDx Variant Classification Process June 2021. Collection method: clinical testing. Allele origin: germline. Affected: yes.
Comment: Not observed at significant frequency in large population cohorts (gnomAD); In silico analysis indicates that this missense variant does not alter protein structure/function; Has not been previously published as pathogenic or benign to our knowledge